The following is an entry in ClinVar:

ClinVar aggregate classification (germline): Uncertain significance. Review status: criteria provided, multiple submitters, no conflicts (2 of 4 stars). 2 submissions from 2 submitters: Uncertain significance (2). Last evaluated 2025-02-02.

Conditions:
Inborn genetic diseases. Identifiers: MedGen C0950123, MeSH D030342.

Allele frequency attached by ClinVar (database versions not stated): gnomAD 0.00001; TOPMed 0.00001; ExAC 0.00006.
gnomAD v4.1: 12 of 1,610,230 alleles (0.00075%); highest among the groups gnomAD compares: Admixed American, 0.015%; no homozygotes.

Submissions (2):

Ambry Genetics
Classification: Uncertain significance for Inborn genetic diseases. Last evaluated: 2025-02-02. Review status: criteria provided, single submitter. Criteria: Ambry Variant Classification Scheme 2023. Collection method: clinical testing. Allele origin: germline.

Labcorp Genetics (formerly Invitae), Labcorp
Classification: Uncertain significance. Last evaluated: 2022-08-10. Review status: criteria provided, single submitter. Criteria: Invitae Variant Classification Sherloc (09022015). Collection method: clinical testing. Allele origin: germline.
Comment: This sequence change replaces threonine, which is neutral and polar, with alanine, which is neutral and non-polar, at codon 267 of the MICU1 protein (p.Thr267Ala). This variant is present in population databases (rs776277372, gnomAD 0.02%). This variant has not been reported in the literature in individuals affected with MICU1-related conditions. Algorithms developed to predict the effect of missense changes on protein structure and function are either unavailable or do not agree on the potential impact of this missense change (SIFT: "Deleterious"; PolyPhen-2: "Not Available"; Align-GVGD: "Class C0"). In summary, the available evidence is currently insufficient to determine the role of this variant in disease. Therefore, it has been classified as a Variant of Uncertain Significance.

NM_001195518.2(MICU1):c.793A>G (p.Thr265Ala)

Gene: MICU1 (mitochondrial calcium uptake 1; minus strand). Cytogenetic location: 10q22.1.
Variant type: single nucleotide variant.
Coding change: c.793A>G on transcript NM_001195518.2 (MANE Select); coding-DNA position 793, A replaced by G.
Protein change: p.Thr265Ala; replaces threonine 265 with alanine.
Molecular consequence: missense variant.
Genome position (GRCh38, 1-based): chr10:72,475,240, T>C on the plus strand (A>G on the coding strand, the complement: MICU1 is on the minus strand). VCF-style: chr10-72475240-T-C. GRCh37 (hg19) VCF-style: chr10-74234998-T-C.
Other names: c.199A>G, p.Thr67Ala (NM_001195519.2); c.811A>G, p.Thr271Ala (NM_001363513.2); c.799A>G, p.Thr267Ala (NM_006077.4); c.799A>G (NM_006077.3); short protein forms T265A, T271A, T267A, T67A.
Identifiers: ClinVar variation 1922428 (VCV001922428.3), dbSNP rs776277372, ClinGen allele CA5550151.